The following is an entry in ClinVar:

NM_004586.3(RPS6KA3):c.379C>T (p.His127Tyr)

Gene: RPS6KA3 (ribosomal protein S6 kinase A3; minus strand). Cytogenetic location: Xp22.12.
Variant type: single nucleotide variant.
Coding change: c.379C>T on transcript NM_004586.3 (MANE Select); coding-DNA position 379, C replaced by T.
Protein change: p.His127Tyr; replaces histidine 127 with tyrosine.
Molecular consequence: missense variant.
Genome position (GRCh38, 1-based): chrX:20,195,092, G>A on the plus strand (C>T on the coding strand, the complement: RPS6KA3 is on the minus strand). VCF-style: chrX-20195092-G-A. GRCh37 (hg19) VCF-style: chrX-20213210-G-A.
Other names: short protein forms H127Y.
Identifiers: ClinVar variation 1809993 (VCV001809993.1), dbSNP rs2519762941, ClinGen allele CA412510807.
Genomic context (GRCh38, chrX:20,195,092, plus strand): 5'-CAAGGGATGATGTGGGAGACGGCTCATACTTACCATAATGCAACTTGACAATAAAAGGAT[G>A]ATTAACCTCTACCAAGATATCACGTTCCATTTTTGTCCGAACTCGGTCTCGAACTATAAA-3'
Protein context (NP_004577.1, residues 117-137): MERDILVEVN[His127Tyr]PFIVKLHYAF

ClinVar aggregate classification (germline): Uncertain significance (1 of 4 stars; one submission).

Submission:

GeneDx
Classification: Uncertain significance. Last evaluated: 2022-06-28. Review status: criteria provided, single submitter. Criteria: GeneDx Variant Classification Process June 2021. Collection method: clinical testing. Allele origin: germline. Affected: yes.
Comment: Not observed at significant frequency in large population cohorts (gnomAD); In silico analysis supports that this missense variant has a deleterious effect on protein structure/function; Has not been previously published as pathogenic or benign to our knowledge